The following is an entry in ClinVar:

NM_152327.5(AK7):c.1360C>G (p.Gln454Glu)

Gene: AK7 (adenylate kinase 7; plus strand). Cytogenetic location: 14q32.2.
Variant type: single nucleotide variant.
Coding change: c.1360C>G on transcript NM_152327.5 (MANE Select); coding-DNA position 1360, C replaced by G.
Protein change: p.Gln454Glu; replaces glutamine 454 with glutamic acid.
Molecular consequence: missense variant. On other transcripts: intron variant (1).
Genome position (GRCh38, 1-based): chr14:96,471,480, C>G. VCF-style: chr14-96471480-C-G. GRCh37 (hg19) VCF-style: chr14-96937817-C-G.
Other names: c.1360C>G, p.Gln454Glu (NM_001350888.2, NM_001350890.2); c.1282C>G, p.Gln428Glu (NM_001350891.2); c.1358-6985C>G (NM_001350892.2); short protein forms Q454E, Q428E.
Identifiers: ClinVar variation 3630784 (VCV003630784.2).

ClinVar aggregate classification (germline): Uncertain significance (1 of 4 stars; one submission).

gnomAD v4.1: 2 of 1,427,426 alleles (0.00014%); highest among the groups gnomAD compares: Non-Finnish European, 0.00019%; no homozygotes.

Submission:

Labcorp Genetics (formerly Invitae), Labcorp
Classification: Uncertain significance. Last evaluated: 2024-03-20. Review status: criteria provided, single submitter. Criteria: Invitae Variant Classification Sherloc (09022015). Collection method: clinical testing. Allele origin: germline.
Comment: This sequence change replaces glutamine, which is neutral and polar, with glutamic acid, which is acidic and polar, at codon 454 of the AK7 protein (p.Gln454Glu). This variant is present in population databases (no rsID available, gnomAD 0.007%). This variant has not been reported in the literature in individuals affected with AK7-related conditions. Algorithms developed to predict the effect of missense changes on protein structure and function output the following: SIFT: "Not Available"; PolyPhen-2: "Benign"; Align-GVGD: "Not Available". The glutamic acid amino acid residue is found in multiple mammalian species, which suggests that this missense change does not adversely affect protein function. In summary, the available evidence is currently insufficient to determine the role of this variant in disease. Therefore, it has been classified as a Variant of Uncertain Significance.